The following is an entry in ClinVar:

NM_001276270.2(MBD4):c.-5G>A

Genes: MBD4 (methyl-CpG binding domain 4, DNA glycosylase; minus strand), LOC129937550 (ATAC-STARR-seq lymphoblastoid active region 20512; plus strand). Cytogenetic location: 3q21.3.
Variant type: single nucleotide variant.
Coding change: c.-5G>A on transcript NM_001276270.2 (MANE Select); 5 bases upstream of the start codon, G replaced by A.
Molecular consequence: 5 prime UTR variant.
Genome position (GRCh38, 1-based): chr3:129,439,838, C>T on the plus strand (G>A on the coding strand, the complement: MBD4 is on the minus strand). VCF-style: chr3-129439838-C-T. GRCh37 (hg19) VCF-style: chr3-129158681-C-T.
Other names: c.-5G>A (NM_001276271.2, NM_001276272.2, NM_001276273.2 and 1 more transcripts).
Identifiers: ClinVar variation 4052202 (VCV004052202.1).

ClinVar aggregate classification (germline): Uncertain significance (1 of 4 stars; one submission).

Conditions:
Inborn genetic diseases. Identifiers: MedGen C0950123, MeSH D030342.

gnomAD v4.1: 6 of 1,605,216 alleles (0.00037%); highest among the groups gnomAD compares: East Asian, 0.0022%; no homozygotes.

Submission:

Ambry Genetics
Classification: Uncertain significance for Inborn genetic diseases. Last evaluated: 2025-05-12. Review status: criteria provided, single submitter. Criteria: Ambry Variant Classification Scheme 2023. Collection method: clinical testing. Allele origin: germline.
Comment: The c.-5G>A variant is located in the 5' untranslated region (5&rsquo; UTR) of the MBD4 gene. This variant results from a G to A substitution 5 bases upstream from the first translated codon. This nucleotide position is well conserved in available vertebrate species. Based on the available evidence, the clinical significance of this variant remains unclear.